The following is an entry in ClinVar:

NM_003978.5(PSTPIP1):c.629G>C (p.Arg210Pro)

Gene: PSTPIP1 (proline-serine-threonine phosphatase interacting protein 1; plus strand). Cytogenetic location: 15q24.3.
Variant type: single nucleotide variant.
Coding change: c.629G>C on transcript NM_003978.5 (MANE Select); coding-DNA position 629, G replaced by C.
Protein change: p.Arg210Pro; replaces arginine 210 with proline.
Molecular consequence: missense variant.
Genome position (GRCh38, 1-based): chr15:77,030,568, G>C. VCF-style: chr15-77030568-G-C. GRCh37 (hg19) VCF-style: chr15-77322909-G-C.
Other names: c.629G>C, p.Arg210Pro (NM_001321135.2); c.602G>C, p.Arg201Pro (NM_001321136.2); c.824G>C, p.Arg275Pro (NM_001321137.1); short protein forms R201P, R275P, R210P.
Identifiers: ClinVar variation 1483807 (VCV001483807.8), dbSNP rs776576205, ClinGen allele CA7675908.

ClinVar aggregate classification (germline): Uncertain significance (1 of 4 stars; one submission).

Conditions:
Pyogenic arthritis-pyoderma gangrenosum-acne syndrome (PAPA). Also called: PAPA SYNDROME; FAMILIAL RECURRENT ARTHRITIS. Identifiers: Orphanet 69126, MedGen C1858361, MONDO:0011462, OMIM 604416.

gnomAD v4.1: 11 of 1,608,106 alleles (0.00068%); highest among the groups gnomAD compares: East Asian, 0.0067%; no homozygotes.

Submission:

Labcorp Genetics (formerly Invitae), Labcorp
Classification: Uncertain significance for Pyogenic arthritis-pyoderma gangrenosum-acne syndrome. Last evaluated: 2023-09-20. Review status: criteria provided, single submitter. Criteria: Invitae Variant Classification Sherloc (09022015). Collection method: clinical testing. Allele origin: germline.
Comment: In summary, the available evidence is currently insufficient to determine the role of this variant in disease. Therefore, it has been classified as a Variant of Uncertain Significance. Advanced modeling of protein sequence and biophysical properties (such as structural, functional, and spatial information, amino acid conservation, physicochemical variation, residue mobility, and thermodynamic stability) performed at Invitae indicates that this missense variant is not expected to disrupt PSTPIP1 protein function. ClinVar contains an entry for this variant (Variation ID: 1483807). This variant has not been reported in the literature in individuals affected with PSTPIP1-related conditions. This variant is present in population databases (rs776576205, gnomAD 0.006%). This sequence change replaces arginine, which is basic and polar, with proline, which is neutral and non-polar, at codon 210 of the PSTPIP1 protein (p.Arg210Pro).